The following is an entry in ClinVar:

ClinVar aggregate classification (germline): Uncertain significance (1 of 4 stars; one submission).

Submission:

Labcorp Genetics (formerly Invitae), Labcorp
Classification: Uncertain significance. Last evaluated: 2025-09-11. Review status: criteria provided, single submitter. Criteria: Invitae Variant Classification Sherloc (09022015). Collection method: clinical testing. Allele origin: germline.
Comment: This sequence change affects a donor splice site in intron 23 of the NFKB1 gene. While this variant is not anticipated to result in nonsense mediated decay, it likely alters RNA splicing and results in a disrupted protein product. This variant is not present in population databases (gnomAD no frequency). This variant has not been reported in the literature in individuals affected with NFKB1-related conditions. Variants that disrupt the consensus splice site are a relatively common cause of aberrant splicing (PMID: 17576681, 9536098). Algorithms developed to predict the effect of sequence changes on RNA splicing suggest that this variant may disrupt the consensus splice site. In summary, the available evidence is currently insufficient to determine the role of this variant in disease. Therefore, it has been classified as a Variant of Uncertain Significance.

Literature cited by the submitters: PubMed 17576681; PubMed 9536098.

NM_003998.4(NFKB1):c.2749+1G>A

Gene: NFKB1 (nuclear factor kappa B subunit 1; plus strand). Cytogenetic location: 4q24.
Variant type: single nucleotide variant.
Coding change: c.2749+1G>A on transcript NM_003998.4 (MANE Select); the canonical splice donor site of the intron after coding-DNA position 2749, G replaced by A.
Molecular consequence: splice donor variant.
Genome position (GRCh38, 1-based): chr4:102,613,582, G>A. VCF-style: chr4-102613582-G-A. GRCh37 (hg19) VCF-style: chr4-103534739-G-A.
Other names: c.2749+1G>A (NM_001382626.1, NM_001382625.1); c.2746+1G>A (NM_001382627.1, NM_001165412.2, NM_001319226.2); c.2707+1G>A (NM_001382628.1).
Identifiers: ClinVar variation 4780706 (VCV004780706.1).